The following is an entry in ClinVar:

ClinVar aggregate classification (germline): Benign/Likely benign. Review status: criteria provided, multiple submitters, no conflicts (2 of 4 stars). 3 submissions from 3 submitters: Benign (1); Likely benign (2). Last evaluated 2025-02-24.

Conditions:
Hereditary cancer-predisposing syndrome. Also called: Neoplastic Syndromes, Hereditary; Tumor predisposition; Hereditary Cancer Syndrome; Hereditary neoplastic syndrome. Identifiers: Orphanet 140162, MedGen C0027672, MeSH D009386, MONDO:0015356.
Breast-ovarian cancer, familial, susceptibility to, 4. Identifiers: Orphanet 145, MedGen C3280345, MONDO:0013669, OMIM 614291.

Allele frequency attached by ClinVar (database versions not stated): gnomAD exomes below 0.00001.
gnomAD v4.1: 2 of 1,614,182 alleles (0.00012%); highest among the groups gnomAD compares: Non-Finnish European, 0.00017%; no homozygotes.

Submissions (3):

Myriad Genetics, Inc.
Classification: Benign for Breast-ovarian cancer, familial, susceptibility to, 4. Last evaluated: 2025-02-24. Review status: criteria provided, single submitter. Criteria: Myriad Autosomal Dominant, Autosomal Recessive and X-Linked Classification Criteria (2023). Collection method: clinical testing. Allele origin: unknown.
Comment: This variant is considered benign. This variant is a silent/synonymous amino acid change and it is not expected to impact splicing.

Labcorp Genetics (formerly Invitae), Labcorp
Classification: Likely benign for Breast-ovarian cancer, familial, susceptibility to, 4. Last evaluated: 2024-10-18. Review status: criteria provided, single submitter. Criteria: Invitae Variant Classification Sherloc (09022015). Collection method: clinical testing. Allele origin: germline.

Ambry Genetics
Classification: Likely benign for Hereditary cancer-predisposing syndrome. Last evaluated: 2017-10-04. Review status: criteria provided, single submitter. Criteria: Ambry Variant Classification Scheme 2023. Collection method: clinical testing. Allele origin: germline.

NM_002878.4(RAD51D):c.801C>T (p.Ser267=)

Genes: RAD51D (RAD51 paralog D; minus strand), RAD51L3-RFFL (RAD51L3-RFFL readthrough; minus strand). Cytogenetic location: 17q12.
Variant type: single nucleotide variant.
Coding change: c.801C>T on transcript NM_002878.4 (MANE Select); coding-DNA position 801, C replaced by T.
Protein change: p.Ser267=; no amino-acid change (serine 267 retained).
Molecular consequence: synonymous variant. On other transcripts: non-coding transcript variant (3).
Genome position (GRCh38, 1-based): chr17:35,101,303, G>A on the plus strand (C>T on the coding strand, the complement: RAD51D is on the minus strand). VCF-style: chr17-35101303-G-A. GRCh37 (hg19) VCF-style: chr17-33428322-G-A.
Other names: c.861C>T, p.Ser287= (NM_001142571.2); c.465C>T, p.Ser155= (NM_133629.3).
Identifiers: ClinVar variation 1761678 (VCV001761678.5), dbSNP rs2509124901, ClinGen allele CA499728818.